The following is an entry in ClinVar:

ClinVar aggregate classification (germline): Uncertain significance (1 of 4 stars; one submission).

Submission:

GeneDx
Classification: Uncertain significance. Last evaluated: 2024-05-21. Review status: criteria provided, single submitter. Criteria: GeneDx Variant Classification Process June 2021. Collection method: clinical testing. Allele origin: germline. Affected: yes.
Comment: Initiation codon variant in a gene for which loss of function is not a known mechanism of disease; Not observed at significant frequency in large population cohorts (gnomAD); Has not been previously published as pathogenic or benign to our knowledge; Reported using an alternate transcript of the gene

NM_001170629.2(CHD8):c.-173A>G

Gene: CHD8 (chromodomain helicase DNA binding protein 8; minus strand). Cytogenetic location: 14q11.2.
Variant type: single nucleotide variant.
Coding change: c.-173A>G on transcript NM_001170629.2 (MANE Select); 173 bases upstream of the start codon, A replaced by G.
Molecular consequence: 5 prime UTR variant. On other transcripts: missense variant (1), initiator codon variant (1).
Genome position (GRCh38, 1-based): chr14:21,431,816, T>C on the plus strand (A>G on the coding strand, the complement: CHD8 is on the minus strand). VCF-style: chr14-21431816-T-C. GRCh37 (hg19) VCF-style: chr14-21899975-T-C.
Other names: c.1A>G, p.Met1Val (NM_020920.4); short protein forms M1V.
Identifiers: ClinVar variation 3381405 (VCV003381405.1).